The following is an entry in ClinVar:

ClinVar aggregate classification (germline): Uncertain significance (1 of 4 stars; one submission).

Conditions:
Primary dilated cardiomyopathy (DCM). Also called: Dilated Cardiomyopathy. Identifiers: Orphanet 217604, MedGen C0007193, MeSH D002311, MONDO:0005021, HP:0001644. Inheritance: Various modes of inheritance.

gnomAD v4.1: 8 of 1,614,190 alleles (0.0005%); highest among the groups gnomAD compares: Admixed American, 0.0083%; no homozygotes.

Submission:

Labcorp Genetics (formerly Invitae), Labcorp
Classification: Uncertain significance for Primary dilated cardiomyopathy. Last evaluated: 2024-10-25. Review status: criteria provided, single submitter. Criteria: Invitae Variant Classification Sherloc (09022015). Collection method: clinical testing. Allele origin: germline.
Comment: This sequence change replaces alanine, which is neutral and non-polar, with glycine, which is neutral and non-polar, at codon 64 of the FHL2 protein (p.Ala64Gly). This variant is present in population databases (rs533310258, gnomAD 0.01%). This variant has not been reported in the literature in individuals affected with FHL2-related conditions. ClinVar contains an entry for this variant (Variation ID: 242258). An algorithm developed to predict the effect of missense changes on protein structure and function outputs the following: PolyPhen-2: "Benign". The glycine amino acid residue is found in multiple mammalian species, which suggests that this missense change does not adversely affect protein function. In summary, the available evidence is currently insufficient to determine the role of this variant in disease. Therefore, it has been classified as a Variant of Uncertain Significance.

NM_001318895.3(FHL2):c.191C>G (p.Ala64Gly)

Genes: C2orf49 (chromosome 2 open reading frame 49; plus strand), FHL2 (four and a half LIM domains 2; minus strand). Cytogenetic location: 2q12.2.
Variant type: single nucleotide variant.
Coding change: c.191C>G on transcript NM_001318895.3 (MANE Select); coding-DNA position 191, C replaced by G.
Protein change: p.Ala64Gly; replaces alanine 64 with glycine.
Molecular consequence: missense variant. On other transcripts: 5 prime UTR variant (1), intron variant (2).
Genome position (GRCh38, 1-based): chr2:105,373,699, G>C on the plus strand (C>G on the coding strand, the complement: FHL2 is on the minus strand). VCF-style: chr2-105373699-G-C. GRCh37 (hg19) VCF-style: chr2-105990156-G-C.
Other names: c.191C>G, p.Ala64Gly (NM_001039492.3, NM_001318894.1, NM_001318896.2 and 4 more transcripts); c.-134C>G (NM_001318899.2); c.-11-5960C>G (NM_001318897.2, NM_001318898.2); short protein forms A64G.
Identifiers: ClinVar variation 242258 (VCV000242258.5), dbSNP rs533310258, ClinGen allele CA1814802.